The following is an entry in ClinVar:

ClinVar aggregate classification (germline): Conflicting classifications of pathogenicity. Review status: criteria provided, conflicting classifications (1 of 4 stars). 3 submissions from 3 submitters: Uncertain significance (2); Likely benign (1). Last evaluated 2025-12-22.

Conditions:
Hereditary cancer-predisposing syndrome. Also called: Hereditary Cancer Syndrome; Tumor predisposition; Neoplastic Syndromes, Hereditary; Hereditary neoplastic syndrome. Identifiers: Orphanet 140162, MedGen C0027672, MeSH D009386, MONDO:0015356.
Ataxia-telangiectasia syndrome (AT). Also called: ATAXIA-TELANGIECTASIA, COMPLEMENTATION GROUP A; ATAXIA-TELANGIECTASIA, FRESNO VARIANT; Ataxia-telangiectasia; Ataxia-telangiectasia, complementation group E; Cerebello-oculocutaneous telangiectasia; Immunodeficiency with ataxia telangiectasia. Identifiers: Orphanet 100, MedGen C0004135, MONDO:0008840, OMIM 208900.

Allele frequency attached by ClinVar (database versions not stated): TOPMed 0.00002; gnomAD 0.00001.
gnomAD v4.1: 1 of 1,613,828 alleles (0.000062%); highest among the groups gnomAD compares: African/African-American, 0.0013%; no homozygotes.

Submissions (3):

Labcorp Genetics (formerly Invitae), Labcorp
Classification: Uncertain significance for Ataxia-telangiectasia syndrome. Last evaluated: 2025-12-22. Review status: criteria provided, single submitter. Criteria: Invitae Variant Classification Sherloc (09022015). Collection method: clinical testing. Allele origin: germline.
Comment: This sequence change replaces phenylalanine, which is neutral and non-polar, with valine, which is neutral and non-polar, at codon 2799 of the ATM protein (p.Phe2799Val). This variant is not present in population databases (gnomAD no frequency). This variant has not been reported in the literature in individuals affected with ATM-related conditions. ClinVar contains an entry for this variant (Variation ID: 181896). Invitae Evidence Modeling of protein sequence and biophysical properties (such as structural, functional, and spatial information, amino acid conservation, physicochemical variation, residue mobility, and thermodynamic stability) indicates that this missense variant is not expected to disrupt ATM protein function with a negative predictive value of 95%. In summary, the available evidence is currently insufficient to determine the role of this variant in disease. Therefore, it has been classified as a Variant of Uncertain Significance.

Ambry Genetics
Classification: Likely benign for Hereditary cancer-predisposing syndrome. Last evaluated: 2025-01-14. Review status: criteria provided, single submitter. Criteria: Ambry Variant Classification Scheme 2023. Collection method: clinical testing. Allele origin: germline.

GeneDx
Classification: Uncertain significance. Last evaluated: 2024-12-30. Review status: criteria provided, single submitter. Criteria: GeneDx Variant Classification Process June 2021. Collection method: clinical testing. Allele origin: germline. Affected: yes.
Comment: Not observed at significant frequency in large population cohorts (gnomAD); In silico analysis indicates that this missense variant does not alter protein structure/function; Has not been previously published as pathogenic or benign to our knowledge; This variant is associated with the following publications: (PMID: 23532176)

NM_000051.4(ATM):c.8395T>G (p.Phe2799Val)

Genes: ATM (ATM serine/threonine kinase; plus strand), C11orf65 (chromosome 11 open reading frame 65; minus strand). Cytogenetic location: 11q22.3.
Variant type: single nucleotide variant.
Coding change: c.8395T>G on transcript NM_000051.4 (MANE Select); coding-DNA position 8395, T replaced by G.
Protein change: p.Phe2799Val; replaces phenylalanine 2799 with valine.
Molecular consequence: missense variant. On other transcripts: intron variant (2).
Genome position (GRCh38, 1-based): chr11:108,343,348, T>G. VCF-style: chr11-108343348-T-G. GRCh37 (hg19) VCF-style: chr11-108214075-T-G.
Other names: p.F2799V:TTT>GTT; c.8395T>G, p.Phe2799Val (NM_001351834.2); c.641-34277A>C (NM_001330368.2); c.695-8056A>C (NM_001351110.2); short protein forms F2799V.
Identifiers: ClinVar variation 181896 (VCV000181896.13), dbSNP rs730881323, ClinGen allele CA298074.